The following is an entry in ClinVar:

ClinVar aggregate classification (germline): Uncertain significance (1 of 4 stars; one submission).

gnomAD v4.1: 1 of 1,614,112 alleles (0.000062%); highest among the groups gnomAD compares: Middle Eastern, 0.016%; no homozygotes.

Submission:

CeGaT Center for Human Genetics Tuebingen
Classification: Uncertain significance. Last evaluated: 2026-08-01. Review status: criteria provided, single submitter. Criteria: CeGaT Center For Human Genetics Tuebingen Variant Classification Criteria Version 2. Collection method: clinical testing. Allele origin: germline. Affected: yes. Observed: 1 variant allele.
Comment: OTULIN: PM2, BP4

NM_138348.6(OTULIN):c.532G>A (p.Asp178Asn)

Gene: OTULIN (OTU deubiquitinase with linear linkage specificity; plus strand). Cytogenetic location: 5p15.2.
Variant type: single nucleotide variant.
Coding change: c.532G>A on transcript NM_138348.6 (MANE Select); coding-DNA position 532, G replaced by A.
Protein change: p.Asp178Asn; replaces aspartic acid 178 with asparagine.
Molecular consequence: missense variant.
Genome position (GRCh38, 1-based): chr5:14,687,584, G>A. VCF-style: chr5-14687584-G-A. GRCh37 (hg19) VCF-style: chr5-14687693-G-A.
Other names: short protein forms D178N.
Identifiers: ClinVar variation 5040416 (VCV005040416.1).
Genomic context (GRCh38, chr5:14,687,584, plus strand): 5'-CCAGAAAAACTCATAAGCAAATACAACTGGATCAAGCAATGGAAACTTGGACTGAAATTT[G>A]ATGGGAAGAATGAGGACCTGGTTGATAAAATTAAAGAGTCCCTTACTCTGCTGAGGAAGA-3'
Protein context (NP_612357.4, residues 168-188): IKQWKLGLKF[Asp178Asn]GKNEDLVDKI